The following continues an entry in ClinVar:

NM_000059.4(BRCA2):c.10045A>G (p.Thr3349Ala)

Gene: BRCA2. ClinVar aggregate classification (germline): Benign. Benign (1).

Submissions 17 to 21 of 21:

CSER _CC_NCGL, University of Washington
Classification: Likely benign for Breast cancer. Last evaluated: 2014-06-01. Review status: no assertion criteria provided. Collection method: research. Allele origin: germline. Inheritance: Autosomal dominant inheritance. Study: ESP 6500 variant annotation. Not counted in ClinVar's aggregate classification.
Comment: Variants classified for the Actionable exomic incidental findings in 6503 participants: challenges of variant classification manuscript

Sharing Clinical Reports Project (SCRP)
Classification: Benign for Breast-ovarian cancer, familial 2. Last evaluated: 2008-01-08. Review status: no assertion criteria provided. Collection method: clinical testing. Allele origin: germline. Not counted in ClinVar's aggregate classification.

Breast Cancer Information Core (BIC) (BRCA2)
Classification: Uncertain significance for Breast-ovarian cancer, familial 2. Last evaluated: 2002-05-29. Review status: no assertion criteria provided. Collection method: clinical testing. Allele origin: germline. Affected: yes. Observed: 7 variant alleles. Not counted in ClinVar's aggregate classification.

Clinical Genetics Laboratory, Department of Pathology, Netherlands Cancer Institute
Classification: Benign. Review status: no assertion criteria provided. Collection method: clinical testing. Allele origin: germline. Affected: yes. Study: VKGL Data-share Consensus. Not counted in ClinVar's aggregate classification.

Joint Genome Diagnostic Labs from Nijmegen and Maastricht, Radboudumc and MUMC+
Classification: Benign. Review status: no assertion criteria provided. Collection method: clinical testing. Allele origin: germline. Affected: yes. Study: VKGL Data-share Consensus. Not counted in ClinVar's aggregate classification.

Literature cited by the submitters: PubMed 21990134 (cited by 4 submitters); PubMed 22505045 (cited by 3 submitters); PubMed 29988080 (cited by Quest Diagnostics Nichols Institute San Juan Capistrano and Women's Health and Genetics/Laboratory Corporation of America, LabCorp); PubMed 17924331 (cited by 3 submitters); PubMed 12955716 (cited by 3 submitters); PubMed 11979449 (cited by Quest Diagnostics Nichols Institute San Juan Capistrano and Women's Health and Genetics/Laboratory Corporation of America, LabCorp); PubMed 32123317 (cited by Quest Diagnostics Nichols Institute San Juan Capistrano); PubMed 33471991 (cited by Quest Diagnostics Nichols Institute San Juan Capistrano); PubMed 25637381 (cited by Quest Diagnostics Nichols Institute San Juan Capistrano and Women's Health and Genetics/Laboratory Corporation of America, LabCorp); PubMed 20104584 (cited by 3 submitters); PubMed 21120943 (cited by 3 submitters); PubMed 21520273 (cited by Quest Diagnostics Nichols Institute San Juan Capistrano and Women's Health and Genetics/Laboratory Corporation of America, LabCorp); PubMed 24323938 (cited by 3 submitters); PubMed 24728327 (cited by Women's Health and Genetics/Laboratory Corporation of America, LabCorp and Department of Pathology and Laboratory Medicine, Sinai Health System); PubMed 18403564 (cited by Women's Health and Genetics/Laboratory Corporation of America, LabCorp); PubMed 10755399 (cited by Women's Health and Genetics/Laboratory Corporation of America, LabCorp); PubMed 25682074 (cited by Women's Health and Genetics/Laboratory Corporation of America, LabCorp and Department of Pathology and Laboratory Medicine, Sinai Health System); PubMed 29580235 (cited by Women's Health and Genetics/Laboratory Corporation of America, LabCorp).